The following is an entry in ClinVar:

NM_014423.4(AFF4):c.88C>G (p.Pro30Ala)

Gene: AFF4 (ALF transcription elongation factor 4; minus strand). Cytogenetic location: 5q31.1.
Variant type: single nucleotide variant.
Coding change: c.88C>G on transcript NM_014423.4 (MANE Select); coding-DNA position 88, C replaced by G.
Protein change: p.Pro30Ala; replaces proline 30 with alanine.
Molecular consequence: missense variant.
Genome position (GRCh38, 1-based): chr5:132,937,102, G>C on the plus strand (C>G on the coding strand, the complement: AFF4 is on the minus strand). VCF-style: chr5-132937102-G-C. GRCh37 (hg19) VCF-style: chr5-132272794-G-C.
Other names: short protein forms P30A.
Identifiers: ClinVar variation 4993813 (VCV004993813.1).

ClinVar aggregate classification (germline): Uncertain significance (1 of 4 stars; one submission).

Conditions:
AFF4-related disorder. Also called: AFF4-related condition.

Submission:

PreventionGenetics, part of Exact Sciences
Classification: Uncertain significance for AFF4-related condition. Last evaluated: 2025-12-22. Review status: criteria provided, single submitter. Criteria: ACMG Guidelines, 2015. Collection method: clinical testing. Allele origin: germline.
Comment: The AFF4 c.88C>G variant is predicted to result in the amino acid substitution p.Pro30Ala. To our knowledge, this variant has not been reported in the literature or in a large population database (gnomAD), indicating this variant is rare. At this time, the clinical significance of this variant is uncertain due to the absence of conclusive functional and genetic evidence.